The following is an entry in ClinVar:

NM_024577.4(SH3TC2):c.3325C>T (p.Arg1109Ter)

Gene: SH3TC2 (SH3 domain and tetratricopeptide repeats 2; minus strand). Cytogenetic location: 5q32.
Variant type: single nucleotide variant.
Coding change: c.3325C>T on transcript NM_024577.4 (MANE Select); coding-DNA position 3325, C replaced by T.
Protein change: p.Arg1109Ter; replaces arginine 1109 with a stop codon.
Molecular consequence: nonsense.
Genome position (GRCh38, 1-based): chr5:149,010,272, G>A on the plus strand (C>T on the coding strand, the complement: SH3TC2 is on the minus strand). VCF-style: chr5-149010272-G-A. GRCh37 (hg19) VCF-style: chr5-148389835-G-A.
Other names: p.Arg1109X; p.Arg1109*; short protein forms R1109*.
Identifiers: ClinVar variation 2483 (VCV000002483.80), dbSNP rs80338934, ClinGen allele CA339991.

ClinVar aggregate classification (germline): Pathogenic. Review status: criteria provided, multiple submitters, no conflicts (2 of 4 stars). 22 submissions from 22 submitters: Pathogenic (15). 7 of the submissions do not count toward it. Last evaluated 2025-07-08.

Conditions:
Charcot-Marie-Tooth disease. Also called: Charcot-Marie-Tooth Hereditary Neuropathy; Charcot-Marie-Tooth Neuropathy. Identifiers: Orphanet 166, MedGen C0007959, MONDO:0015626.
Susceptibility to mononeuropathy of the median nerve, mild. Also called: CARPAL TUNNEL SYNDROME, SUSCEPTIBILITY TO. Identifiers: MedGen C3150596, MONDO:0013237, OMIM 613353.
Charcot-Marie-Tooth disease type 4C (CMT4C). Also called: CHARCOT-MARIE-TOOTH DISEASE, DEMYELINATING, TYPE 4C; Charcot-Marie-Tooth Neuropathy Type 4C (CMT4C); CHARCOT-MARIE-TOOTH DISEASE, DEMYELINATING, AUTOSOMAL RECESSIVE, TYPE 4C; CMT 4C; SH3TC2-Related Hereditary Motor and Sensory Neuropathy. Identifiers: Orphanet 99949, MedGen C1866636, MONDO:0011113, OMIM 601596.
Charcot-Marie-Tooth disease type 4. Also called: Charcot-Marie-Tooth disease, type IV; Charcot-Marie-Tooth, Type 4. Identifiers: Orphanet 64749, MedGen C4082197, MONDO:0018995.

Allele frequency attached by ClinVar (database versions not stated): TOPMed 0.00002; gnomAD 0.00003 and 0.00004; gnomAD exomes 0.00003 and 0.00004; ExAC 0.00005.
gnomAD v4.1: 50 of 1,614,178 alleles (0.0031%); highest among the groups gnomAD compares: South Asian, 0.022%; no homozygotes.

Submissions 1 to 17 of 22:

Labcorp Genetics (formerly Invitae), Labcorp
Classification: Pathogenic for Charcot-Marie-Tooth disease type 4. Last evaluated: 2025-07-08. Review status: criteria provided, single submitter. Criteria: Invitae Variant Classification Sherloc (09022015). Collection method: clinical testing. Allele origin: germline.
Comment: This sequence change creates a premature translational stop signal (p.Arg1109*) in the SH3TC2 gene. It is expected to result in an absent or disrupted protein product. Loss-of-function variants in SH3TC2 are known to be pathogenic (PMID: 20220177, 27068304). This variant is present in population databases (rs80338934, gnomAD 0.02%). This premature translational stop signal has been observed in individuals with Charcot-Marie-Tooth disease, type 4C (CMT4C) (PMID: 16326826, 17470135, 22978647, 26752306, 27231023). It is commonly reported in individuals of Spanish ancestry (PMID: 16326826, 17470135). ClinVar contains an entry for this variant (Variation ID: 2483). For these reasons, this variant has been classified as Pathogenic.

Revvity Omics, Revvity
Classification: Pathogenic. Last evaluated: 2024-07-10. Review status: criteria provided, single submitter. Criteria: ACMG Guidelines, 2015. Collection method: clinical testing. Allele origin: germline.

Athena Diagnostics
Classification: Pathogenic. Last evaluated: 2024-05-03. Review status: criteria provided, single submitter. Criteria: Athena Diagnostics Criteria. Collection method: clinical testing. Allele origin: unknown.
Comment: This variant is expected to result in the loss of a functional protein. The frequency of this variant in the general population is consistent with pathogenicity. This variant associates with disease in multiple families. In multiple individuals, this variant has been seen with a single recessive pathogenic variant in the same gene, suggesting this variant may also be pathogenic.

Fulgent Genetics
Classification: Pathogenic for Charcot-Marie-Tooth disease type 4C; Susceptibility to mononeuropathy of the median nerve, mild. Last evaluated: 2024-04-09. Review status: criteria provided, single submitter. Criteria: ACMG Guidelines, 2015. Collection method: clinical testing. Allele origin: germline.

Neuberg Centre For Genomic Medicine, NCGM
Classification: Pathogenic for Charcot-Marie-Tooth disease type 4C. Last evaluated: 2024-02-01. Review status: criteria provided, single submitter. Criteria: ACMG Guidelines, 2015. Collection method: clinical testing. Allele origin: germline. Inheritance: Autosomal recessive inheritance. Affected: yes.
Comment: The above variant, lying in the splice region has been reported previously in multiple individuals affected with Charcot-MarieTooth disease (Piscosquito G, et al., 2016; Lupo V, et al., 2016). This variant has also been observed to segregate with disease in related individuals. This variant is predicted to cause loss of normal protein function through protein truncation. Loss of function variants have been previously reported to be disease causing (Piscosquito G, et al., 2016). For these reasons, this variant has been classified as Pathogenic

Institute of Medical Genetics and Genomics, Sir Ganga Ram Hospital
Classification: Pathogenic for Charcot-Marie-Tooth disease type 4C. Last evaluated: 2023-06-23. Review status: criteria provided, single submitter. Criteria: ACMG Guidelines, 2015. Collection method: clinical testing. Allele origin: inherited. Inheritance: Autosomal recessive inheritance. Affected: yes. Observed: 1 homozygote.
Comment: This variant is identified in exon 14 of SH3TC2 gene. Loss of function is a reported mechanism in SH3TC2 with 104 null pathogenic variants. This variant is predicted to cause NMD. Hence, the ACMG criteria of PVS1_very strong is met. The variant is present in 0.0042% in gnomAD (aggregated) database (PM2_moderate). It has been previously reported (PP5_supporting) PMID 16806930.

3billion
Classification: Pathogenic for Charcot-Marie-Tooth disease type 4C. Last evaluated: 2023-02-23. Review status: criteria provided, single submitter. Criteria: ACMG Guidelines, 2015. Collection method: clinical testing. Allele origin: unknown. Affected: yes.
Comment: The variant is observed at an extremely low frequency in the gnomAD v2.1.1 dataset (total allele frequency: 0.004%). This variant was predicted to result in a loss or disruption of normal protein function through nonsense-mediated decay (NMD) or protein truncation. Multiple pathogenic variants are reported downstream of the variant. It has been reported at least twice as pathogenic with clinical assertions and evidence for the classification (PMID: 16326826). Therefore, this variant is classified as Pathogenic according to the recommendation of ACMG/AMP guideline.

Mayo Clinic Laboratories, Mayo Clinic
Classification: Pathogenic. Last evaluated: 2022-08-04. Review status: criteria provided, single submitter. Criteria: ACMG Guidelines, 2015. Collection method: clinical testing. Allele origin: germline. Observed: 1 variant allele.
Comment: PP1, PM2, PM3, PS4_moderate, PVS1

Clinical Genetics Laboratory, Skane University Hospital Lund
Classification: Pathogenic. Last evaluated: 2022-05-27. Review status: criteria provided, single submitter. Criteria: ACMG Guidelines, 2015. Collection method: clinical testing. Allele origin: germline. Affected: yes.

Laboratory of Medical Genetics, National & Kapodistrian University of Athens
Classification: Pathogenic for Charcot-Marie-Tooth disease type 4C. Last evaluated: 2022-02-22. Review status: criteria provided, single submitter. Criteria: ACMG Guidelines, 2015. Collection method: clinical testing. Allele origin: germline. Affected: yes.
Comment: PVS1, PM2, PM3, PP5

GeneDx
Classification: Pathogenic. Last evaluated: 2022-01-18. Review status: criteria provided, single submitter. Criteria: GeneDx Variant Classification Process June 2021. Collection method: clinical testing. Allele origin: germline. Affected: yes.
Comment: Nonsense variant predicted to result in protein truncation or nonsense mediated decay in a gene for which loss-of-function is a known mechanism of disease; This variant is associated with the following publications: (PMID: 29321516, 30373780, 30653784, 17470135, 22978647, 25525159, 20301514, 16326826, 31634715, 31127727, 31589614, 32376792)

Kariminejad - Najmabadi Pathology & Genetics Center
Classification: Pathogenic for Charcot-Marie-Tooth disease type 4C. Last evaluated: 2020-11-26. Review status: criteria provided, single submitter. Criteria: ACMG Guidelines, 2015. Collection method: clinical testing. Allele origin: germline. Inheritance: Autosomal recessive inheritance. Affected: yes.
Comment: (PVS1,PM2,PP5)

Laboratory for Molecular Medicine, Mass General Brigham Personalized Medicine
Classification: Pathogenic for Charcot-Marie-Tooth disease, type 4C. Last evaluated: 2018-10-10. Review status: criteria provided, single submitter. Criteria: LMM Criteria. Collection method: clinical testing. Allele origin: germline. Observed: 1 variant allele.
Comment: The p.Arg1109X variant in SH3TC2 has been reported in more than 10 individuals w ith Charcot-Marie-Tooth disease type 4C and segregated with disease in 16 affect ed family members from families (Gooding 2005, Colomer 2006, Claramunt 2007, Sev illa 2013, Piscosquito 2016, Lupo 2016, Khadilkar 2017, Yuan 2018). It has been shown to be a founder mutation in the Spanish Gypsy population (Gooding 2005, Cl aramunt 2007). It has also been identified in 0.02% (7/30778) of South Asian chr omosomes by gnomAD. This nonsense variant lea ds to a premature termination codon at position 1109, which is predicted to lead to a truncated or absent protein. In summary, this variant meets criteria to be classified as pathogenic for autosomal recessive Charcot-Marie-Tooth disease ty pe 4C based on case observations, segregation studies, and predicted impact on p rotein. ACMG/AMP criteria applied: PVS1, PM3_VeryStrong, PP1_Strong.

CeGaT Center for Human Genetics Tuebingen
Classification: Pathogenic. Last evaluated: 2016-10-01. Review status: criteria provided, single submitter. Criteria: CeGaT Center For Human Genetics Tuebingen Variant Classification Criteria Version 2. Collection method: clinical testing. Allele origin: germline. Affected: yes. Observed: 1 variant allele.

Molecular Genetics Laboratory, London Health Sciences Centre
Classification: Pathogenic for Charcot-Marie-Tooth disease. Review status: criteria provided, single submitter. Criteria: ACMG Guidelines, 2015. Collection method: clinical testing. Allele origin: germline. Affected: yes.

Genesis Genome Database
Classification: Uncertain significance for Charcot-Marie-Tooth disease. Last evaluated: 2019-08-14. Review status: no assertion criteria provided. Collection method: research. Allele origin: germline. Affected: yes. Not counted in ClinVar's aggregate classification.

OMIM
Classification: Pathogenic for CHARCOT-MARIE-TOOTH DISEASE, DEMYELINATING, TYPE 4C. Last evaluated: 2007-04-01. Review status: no assertion criteria provided. Collection method: literature only. Allele origin: germline. Not counted in ClinVar's aggregate classification.